The following is an entry in ClinVar:

NM_024494.3(WNT2B):c.242G>A (p.Arg81Gln)

Gene: WNT2B (Wnt family member 2B; plus strand). Cytogenetic location: 1p13.2.
Variant type: single nucleotide variant.
Coding change: c.242G>A on transcript NM_024494.3 (MANE Select); coding-DNA position 242, G replaced by A.
Protein change: p.Arg81Gln; replaces arginine 81 with glutamine.
Molecular consequence: missense variant. On other transcripts: 5 prime UTR variant (1).
Genome position (GRCh38, 1-based): chr1:112,514,933, G>A. VCF-style: chr1-112514933-G-A. GRCh37 (hg19) VCF-style: chr1-113057555-G-A.
Other names: c.242G>A (NM_024494.2); c.-35G>A (NM_001291880.1); c.185G>A, p.Arg62Gln (NM_004185.4); short protein forms R81Q, R62Q.
Identifiers: ClinVar variation 1973928 (VCV001973928.6), dbSNP rs776777214, ClinGen allele CA1008223.
Genomic context (GRCh38, chr1:112,514,933, plus strand): 5'-GGTACATTGGGGCACTGGGGGCACGAGTGATCTGTGACAATATCCCTGGTTTGGTGAGCC[G>A]GCAGCGGCAGCTGTGCCAGCGTTACCCAGACATCATGCGTTCAGTGGGCGAGGGTGCCCG-3'
Protein context (NP_078613.1, residues 71-91): ICDNIPGLVS[Arg81Gln]QRQLCQRYPD

ClinVar aggregate classification (germline): Uncertain significance. Review status: criteria provided, multiple submitters, no conflicts (2 of 4 stars). 2 submissions from 2 submitters: Uncertain significance (2). Last evaluated 2024-08-14.

Allele frequency attached by ClinVar (database versions not stated): ExAC 0.00001; TOPMed 0.00001; gnomAD exomes 0.00002.

Submissions (2):

Ambry Genetics
Classification: Uncertain significance. Last evaluated: 2024-08-14. Review status: criteria provided, single submitter. Criteria: Ambry Variant Classification Scheme 2023. Collection method: clinical testing. Allele origin: germline.

Labcorp Genetics (formerly Invitae), Labcorp
Classification: Uncertain significance. Last evaluated: 2022-02-28. Review status: criteria provided, single submitter. Criteria: Invitae Variant Classification Sherloc (09022015). Collection method: clinical testing. Allele origin: germline.
Comment: In summary, the available evidence is currently insufficient to determine the role of this variant in disease. Therefore, it has been classified as a Variant of Uncertain Significance. Algorithms developed to predict the effect of missense changes on protein structure and function are either unavailable or do not agree on the potential impact of this missense change (SIFT: "Deleterious"; PolyPhen-2: "Benign"; Align-GVGD: "Class C0"). This variant has not been reported in the literature in individuals affected with WNT2B-related conditions. This variant is present in population databases (rs776777214, gnomAD 0.003%). This sequence change replaces arginine, which is basic and polar, with glutamine, which is neutral and polar, at codon 81 of the WNT2B protein (p.Arg81Gln).